The following is an entry in ClinVar:

ClinVar aggregate classification (germline): Uncertain significance. Review status: criteria provided, multiple submitters, no conflicts (2 of 4 stars). 4 submissions from 4 submitters: Uncertain significance (4). Last evaluated 2025-10-23.

Conditions:
Hereditary cancer-predisposing syndrome. Also called: Tumor predisposition; Hereditary neoplastic syndrome; Neoplastic Syndromes, Hereditary; Hereditary Cancer Syndrome. Identifiers: Orphanet 140162, MedGen C0027672, MeSH D009386, MONDO:0015356.
Familial cancer of breast. Also called: hereditary breast carcinoma; BREAST CANCER, FAMILIAL; Hereditary breast cancer. Identifiers: Orphanet 227535, MedGen C0346153, MONDO:0016419, OMIM 114480. Disease mechanism: loss of function.

Allele frequency attached by ClinVar (database versions not stated): gnomAD exomes below 0.00001; ExAC 0.00001.
gnomAD v4.1: 1 of 1,613,980 alleles (0.000062%); highest among the groups gnomAD compares: South Asian, 0.0011%; no homozygotes.

Submissions (4):

Labcorp Genetics (formerly Invitae), Labcorp
Classification: Uncertain significance for Familial cancer of breast. Last evaluated: 2025-10-23. Review status: criteria provided, single submitter. Criteria: Invitae Variant Classification Sherloc (09022015). Collection method: clinical testing. Allele origin: germline.
Comment: This sequence change replaces glycine, which is neutral and non-polar, with glutamic acid, which is acidic and polar, at codon 491 of the BARD1 protein (p.Gly491Glu). This variant is not present in population databases (gnomAD no frequency). This variant has not been reported in the literature in individuals affected with BARD1-related conditions. ClinVar contains an entry for this variant (Variation ID: 855518). An algorithm developed to predict the effect of missense changes on protein structure and function (PolyPhen-2) suggests that this variant is likely to be disruptive. In summary, the available evidence is currently insufficient to determine the role of this variant in disease. Therefore, it has been classified as a Variant of Uncertain Significance.

Quest Diagnostics Nichols Institute San Juan Capistrano
Classification: Uncertain significance. Last evaluated: 2025-05-27. Review status: criteria provided, single submitter. Criteria: Quest Diagnostics criteria. Collection method: clinical testing. Allele origin: unknown.
Comment: The BARD1 c.1472G>A (p.Gly491Glu) variant has been reported in the published literature in an individual with breast cancer (PMID: 33471991 (2021), see also LOVD). This variant has not been reported in large, multi-ethnic general populations (Genome Aggregation Database). Analysis of this variant using bioinformatics tools for the prediction of the effect of amino acid changes on protein structure and function yielded predictions that this variant is damaging. Based on the available information, we are unable to determine the clinical significance of this variant.

Ambry Genetics
Classification: Uncertain significance for Hereditary cancer-predisposing syndrome. Last evaluated: 2025-05-02. Review status: criteria provided, single submitter. Criteria: Ambry Variant Classification Scheme 2023. Collection method: clinical testing. Allele origin: germline.
Comment: The p.G491E variant (also known as c.1472G>A), located in coding exon 6 of the BARD1 gene, results from a G to A substitution at nucleotide position 1472. The glycine at codon 491 is replaced by glutamic acid, an amino acid with similar properties. This amino acid position is conserved. In addition, this alteration is predicted to be deleterious by in silico analysis. Since supporting evidence is limited at this time, the clinical significance of this alteration remains unclear.

Revvity Omics, Revvity
Classification: Uncertain significance. Last evaluated: 2020-03-11. Review status: criteria provided, single submitter. Criteria: ACMG Guidelines, 2015. Collection method: clinical testing. Allele origin: germline.

Literature cited by the submitters: PubMed 33471991 (cited by Quest Diagnostics Nichols Institute San Juan Capistrano).

NM_000465.4(BARD1):c.1472G>A (p.Gly491Glu)

Gene: BARD1 (BRCA1 associated RING domain 1; minus strand). Cytogenetic location: 2q35.
Variant type: single nucleotide variant.
Coding change: c.1472G>A on transcript NM_000465.4 (MANE Select); coding-DNA position 1472, G replaced by A.
Protein change: p.Gly491Glu; replaces glycine 491 with glutamic acid.
Molecular consequence: missense variant. On other transcripts: non-coding transcript variant (3), intron variant (3).
Genome position (GRCh38, 1-based): chr2:214,767,578, C>T on the plus strand (G>A on the coding strand, the complement: BARD1 is on the minus strand). VCF-style: chr2-214767578-C-T. GRCh37 (hg19) VCF-style: chr2-215632302-C-T.
Other names: c.1415G>A, p.Gly472Glu (NM_001282543.2); c.159-15023G>A (NM_001282548.2); c.216-15023G>A (NM_001282545.2); c.364+24719G>A (NM_001282549.2); short protein forms G472E, G491E.
Identifiers: ClinVar variation 855518 (VCV000855518.13), dbSNP rs746790865, ClinGen allele CA2090252.